The following is an entry in ClinVar:

ClinVar aggregate classification (germline): Uncertain significance (1 of 4 stars; one submission).

Allele frequency attached by ClinVar (database versions not stated): gnomAD 0.00004; gnomAD exomes 0.00004; TOPMed 0.00005; ExAC 0.00006.

Submission:

Labcorp Genetics (formerly Invitae), Labcorp
Classification: Uncertain significance. Last evaluated: 2022-09-07. Review status: criteria provided, single submitter. Criteria: Invitae Variant Classification Sherloc (09022015). Collection method: clinical testing. Allele origin: germline.
Comment: This sequence change replaces glutamic acid, which is acidic and polar, with lysine, which is basic and polar, at codon 319 of the LIFR protein (p.Glu319Lys). This variant is present in population databases (rs749557070, gnomAD 0.04%). This variant has not been reported in the literature in individuals affected with LIFR-related conditions. Algorithms developed to predict the effect of missense changes on protein structure and function output the following: SIFT: "Tolerated"; PolyPhen-2: "Benign"; Align-GVGD: "Class C0". The lysine amino acid residue is found in multiple mammalian species, which suggests that this missense change does not adversely affect protein function. In summary, the available evidence is currently insufficient to determine the role of this variant in disease. Therefore, it has been classified as a Variant of Uncertain Significance.

NM_001127671.2(LIFR):c.955G>A (p.Glu319Lys)

Gene: LIFR (LIF receptor subunit alpha; minus strand). Cytogenetic location: 5p13.1.
Variant type: single nucleotide variant.
Coding change: c.955G>A on transcript NM_001127671.2 (MANE Select); coding-DNA position 955, G replaced by A.
Protein change: p.Glu319Lys; replaces glutamic acid 319 with lysine.
Molecular consequence: missense variant.
Genome position (GRCh38, 1-based): chr5:38,510,500, C>T on the plus strand (G>A on the coding strand, the complement: LIFR is on the minus strand). VCF-style: chr5-38510500-C-T. GRCh37 (hg19) VCF-style: chr5-38510602-C-T.
Other names: c.955G>A, p.Glu319Lys (NM_001364297.2, NM_001364298.2, NM_002310.6); short protein forms E319K.
Identifiers: ClinVar variation 2201945 (VCV002201945.1), dbSNP rs749557070, ClinGen allele CA3243081.
Genomic context (GRCh38, chr5:38,510,500, plus strand): 5'-CTCTCTTTAAAATCATATACTTACATCCAGCAAAAATAACGGTTCCAAATATGTTATCTT[C>T]GGTTGTAAAAACTACATTTGTTCCACTACTTGCAGAAACAGAAATATTACGAATCTTGAT-3'
Protein context (NP_001121143.1, residues 309-329): SSGTNVVFTT[Glu319Lys]DNIFGTVIFA